The following is an entry in ClinVar:

ClinVar aggregate classification (germline): Uncertain significance (1 of 4 stars; one submission).

Conditions:
Inborn genetic diseases. Identifiers: MedGen C0950123, MeSH D030342.

gnomAD v4.1: 1 of 1,208,598 alleles (0.000083%); highest among the groups gnomAD compares: Non-Finnish European, 0.00011%; no homozygotes.

Submission:

Ambry Genetics
Classification: Uncertain significance for Inborn genetic diseases. Last evaluated: 2026-09-09. Review status: criteria provided, single submitter. Criteria: Ambry Variant Classification Scheme 2023. Collection method: clinical testing. Allele origin: germline.
Comment: The c.3862G>A (p.E1288K) alteration is located in exon 11 (coding exon 11) of the ATRX gene. This alteration results from a G to A substitution at nucleotide position 3862, causing the glutamic acid (E) at amino acid position 1288 to be replaced by a lysine (K). Based on data from gnomAD, the A allele has an overall frequency of <0.001% (1/182834) total alleles studied. The highest observed frequency was 0.001% (1/81622) of European (non-Finnish) alleles. This amino acid position is well conserved in available vertebrate species. The in silico prediction for this amino acid alteration is inconclusive. In silico splice site analysis predicts that this nucleotide alteration may result in the creation or strengthening of a novel splice acceptor site. Based on insufficient or conflicting evidence, the clinical significance of this alteration remains unclear.

NM_000489.6(ATRX):c.3862G>A (p.Glu1288Lys)

Gene: ATRX (ATRX chromatin remodeler; minus strand). Cytogenetic location: Xq21.1.
Variant type: single nucleotide variant.
Coding change: c.3862G>A on transcript NM_000489.6 (MANE Select); coding-DNA position 3862, G replaced by A.
Protein change: p.Glu1288Lys; replaces glutamic acid 1288 with lysine.
Molecular consequence: missense variant.
Genome position (GRCh38, 1-based): chrX:77,664,726, C>T on the plus strand (G>A on the coding strand, the complement: ATRX is on the minus strand). VCF-style: chrX-77664726-C-T. GRCh37 (hg19) VCF-style: chrX-76920215-C-T.
Other names: c.3748G>A, p.Glu1250Lys (NM_138270.5); short protein forms E1250K, E1288K.
Identifiers: ClinVar variation 5032489 (VCV005032489.1).